The following is an entry in ClinVar:

NM_003749.3(IRS2):c.3612A>C (p.Pro1204=)

Gene: IRS2 (insulin receptor substrate 2; minus strand). Cytogenetic location: 13q34.
Variant type: single nucleotide variant.
Coding change: c.3612A>C on transcript NM_003749.3 (MANE Select); coding-DNA position 3612, A replaced by C.
Protein change: p.Pro1204=; no amino-acid change (proline 1204 retained).
Molecular consequence: synonymous variant.
Genome position (GRCh38, 1-based): chr13:109,782,442, T>G on the plus strand (A>C on the coding strand, the complement: IRS2 is on the minus strand). VCF-style: chr13-109782442-T-G. GRCh37 (hg19) VCF-style: chr13-110434789-T-G.
Identifiers: ClinVar variation 3041555 (VCV003041555.2), dbSNP rs376586626, ClinGen allele CA7046131.

ClinVar aggregate classification (germline): Benign (0 of 4 stars; one submission).

Conditions:
IRS2-related disorder. Also called: IRS2-related condition.

Allele frequency attached by ClinVar (database versions not stated): ESP Exome Variant Server 0.00010; gnomAD exomes 0.00012; ExAC 0.00036; gnomAD 0.00132; TOPMed 0.00142; 1000 Genomes Project 30x 0.00250; 1000 Genomes Project 0.00260.
gnomAD v4.1: 374 of 1,583,108 alleles (0.024%); highest among the groups gnomAD compares: African/African-American, 0.46%; 1 homozygote.

Submission:

PreventionGenetics, part of Exact Sciences
Classification: Benign for IRS2-related condition. Last evaluated: 2019-06-02. Review status: no assertion criteria provided. Collection method: clinical testing. Allele origin: germline.
Comment: This variant is classified as benign based on ACMG/AMP sequence variant interpretation guidelines (Richards et al. 2015 PMID: 25741868, with internal and published modifications).